The following is an entry in ClinVar:

NM_000051.4(ATM):c.7238del (p.Lys2413fs)

Genes: C11orf65 (chromosome 11 open reading frame 65; minus strand), ATM (ATM serine/threonine kinase; plus strand). Cytogenetic location: 11q22.3.
Variant type: Deletion.
Coding change: c.7238del on transcript NM_000051.4 (MANE Select); coding-DNA position 7238, one base deleted (A; older notation c.7238delA).
Protein change: p.Lys2413fs; shifts the reading frame from lysine 2413.
Molecular consequence: frameshift variant. On other transcripts: intron variant (2).
Genome position (GRCh38, 1-based): chr11:108,329,169, A deleted; the last of 2 consecutive A bases (chr11:108,329,168-108,329,169); deleting either gives the same sequence. VCF-style (leftmost placement, unchanged base first): chr11-108329167-CA-C. GRCh37 (hg19) VCF-style: chr11-108199894-CA-C.
Other names: c.7238del, p.Lys2413fs (NM_001351834.2); c.641-20097del (NM_001330368.2); c.*38+6052del (NM_001351110.2); short protein forms K2413fs.
Identifiers: ClinVar variation 3802534 (VCV003802534.1).

ClinVar aggregate classification (germline): Pathogenic (1 of 4 stars; one submission).

Conditions:
Hereditary cancer-predisposing syndrome. Also called: Neoplastic Syndromes, Hereditary; Tumor predisposition; Hereditary Cancer Syndrome; Hereditary neoplastic syndrome. Identifiers: Orphanet 140162, MedGen C0027672, MeSH D009386, MONDO:0015356.

Submission:

Ambry Genetics
Classification: Pathogenic for Hereditary cancer-predisposing syndrome. Last evaluated: 2025-03-03. Review status: criteria provided, single submitter. Criteria: Ambry Variant Classification Scheme 2023. Collection method: clinical testing. Allele origin: germline.
Comment: The c.7238delA pathogenic mutation, located in coding exon 48 of the ATM gene, results from a deletion of one nucleotide at nucleotide position 7238, causing a translational frameshift with a predicted alternate stop codon (p.K2413Sfs*5). This variant is considered to be rare based on population cohorts in the Genome Aggregation Database (gnomAD). This alteration is expected to result in loss of function by premature protein truncation or nonsense-mediated mRNA decay. As such, this alteration is interpreted as a disease-causing mutation.